The following is an entry in ClinVar:

ClinVar aggregate classification (germline): Likely benign. Review status: criteria provided, multiple submitters, no conflicts (2 of 4 stars). 2 submissions from 2 submitters: Likely benign (2). Last evaluated 2025-10-27.

Allele frequency attached by ClinVar (database versions not stated): TOPMed 0.00001; gnomAD 0.00003; gnomAD exomes 0.00003; ExAC 0.00005; ESP Exome Variant Server 0.00008; 1000 Genomes Project 30x 0.00016; 1000 Genomes Project 0.00020.
gnomAD v4.1: 44 of 1,448,850 alleles (0.003%); highest among the groups gnomAD compares: South Asian, 0.039%; 1 homozygote.

Submissions (2):

Labcorp Genetics (formerly Invitae), Labcorp
Classification: Likely benign. Last evaluated: 2025-10-27. Review status: criteria provided, single submitter. Criteria: Invitae Variant Classification Sherloc (09022015). Collection method: clinical testing. Allele origin: germline.

CeGaT Center for Human Genetics Tuebingen
Classification: Likely benign. Last evaluated: 2022-09-01. Review status: criteria provided, single submitter. Criteria: CeGaT Center For Human Genetics Tuebingen Variant Classification Criteria Version 2. Collection method: clinical testing. Allele origin: germline. Affected: yes. Observed: 1 variant allele.
Comment: SI: BP4

NM_001041.4(SI):c.820T>C (p.Leu274=)

Gene: SI (sucrase-isomaltase; minus strand). Cytogenetic location: 3q26.1.
Variant type: single nucleotide variant.
Coding change: c.820T>C on transcript NM_001041.4 (MANE Select); coding-DNA position 820, T replaced by C.
Protein change: p.Leu274=; no amino-acid change (leucine 274 retained).
Molecular consequence: synonymous variant.
Genome position (GRCh38, 1-based): chr3:165,063,529, A>G on the plus strand (T>C on the coding strand, the complement: SI is on the minus strand). VCF-style: chr3-165063529-A-G. GRCh37 (hg19) VCF-style: chr3-164781317-A-G.
Identifiers: ClinVar variation 2654261 (VCV002654261.27), dbSNP rs377210825, ClinGen allele CA2691296.